The following is an entry in ClinVar:

ClinVar aggregate classification (germline): Uncertain significance (1 of 4 stars; one submission).

Submission:

Ambry Genetics
Classification: Uncertain significance. Last evaluated: 2025-07-18. Review status: criteria provided, single submitter. Criteria: Ambry Variant Classification Scheme 2023. Collection method: clinical testing. Allele origin: germline.
Comment: The p.L703W variant (also known as c.2108T>G), located in coding exon 1 of the TET2 gene, results from a T to G substitution at nucleotide position 2108. The leucine at codon 703 is replaced by tryptophan, an amino acid with similar properties. This amino acid position is conserved. In addition, this alteration is predicted to be tolerated by in silico analysis. Based on the available evidence, the clinical significance of this variant remains unclear.

NM_001127208.3(TET2):c.2108T>G (p.Leu703Trp)

Genes: TET2 (tet methylcytosine dioxygenase 2; plus strand), TET2-AS1 (TET2 antisense RNA 1; minus strand). Cytogenetic location: 4q24.
Variant type: single nucleotide variant.
Coding change: c.2108T>G on transcript NM_001127208.3 (MANE Select); coding-DNA position 2108, T replaced by G.
Protein change: p.Leu703Trp; replaces leucine 703 with tryptophan.
Molecular consequence: missense variant.
Genome position (GRCh38, 1-based): chr4:105,236,050, T>G. VCF-style: chr4-105236050-T-G. GRCh37 (hg19) VCF-style: chr4-106157207-T-G.
Other names: c.2108T>G, p.Leu703Trp (NM_017628.4); short protein forms L703W.
Identifiers: ClinVar variation 4182975 (VCV004182975.1).
Genomic context (GRCh38, chr4:105,236,050, plus strand): 5'-TTCAACAAAGAGCAGATTCCCAAACTGAAAAACTTATGTCCCCAGTGTTGAAACAGCACT[T>G]GAATCAACAGGCTTCAGAGACTGAGCCATTTTCAAACTCACACCTTTTGCAACATAAGCC-3'
Protein context (NP_001120680.1, residues 693-713): KLMSPVLKQH[Leu703Trp]NQQASETEPF